The following is an entry in ClinVar:

ClinVar aggregate classification (germline): Uncertain significance (1 of 4 stars; one submission).

Allele frequency attached by ClinVar (database versions not stated): gnomAD exomes below 0.00001.

Submission:

Ambry Genetics
Classification: Uncertain significance. Last evaluated: 2024-11-09. Review status: criteria provided, single submitter. Criteria: Ambry Variant Classification Scheme 2023. Collection method: clinical testing. Allele origin: germline.
Comment: The p.M257V variant (also known as c.769A>G), located in coding exon 1 of the EGLN2 gene, results from an A to G substitution at nucleotide position 769. The methionine at codon 257 is replaced by valine, an amino acid with highly similar properties. This amino acid position is conserved. In addition, this alteration is predicted to be deleterious by in silico analysis. Since supporting evidence is limited at this time, the clinical significance of this alteration remains unclear.

NM_080732.4(EGLN2):c.769A>G (p.Met257Val)

Genes: EGLN2 (egl-9 family hypoxia inducible factor 2; plus strand), RAB4B-EGLN2 (RAB4B-EGLN2 readthrough (NMD candidate); plus strand). Cytogenetic location: 19q13.2.
Variant type: single nucleotide variant.
Coding change: c.769A>G on transcript NM_080732.4 (MANE Select); coding-DNA position 769, A replaced by G.
Protein change: p.Met257Val; replaces methionine 257 with valine.
Molecular consequence: missense variant. On other transcripts: non-coding transcript variant (1).
Genome position (GRCh38, 1-based): chr19:40,801,341, A>G. VCF-style: chr19-40801341-A-G. GRCh37 (hg19) VCF-style: chr19-41307246-A-G.
Other names: c.769A>G, p.Met257Val (NM_053046.4); short protein forms M257V.
Identifiers: ClinVar variation 1760173 (VCV001760173.3), dbSNP rs2515995573, ClinGen allele CA405955940.